The following is an entry in ClinVar:

NM_000270.4(PNP):c.461+3A>G

Gene: PNP (purine nucleoside phosphorylase; plus strand). Cytogenetic location: 14q11.2.
Variant type: single nucleotide variant.
Coding change: c.461+3A>G on transcript NM_000270.4 (MANE Select); 3 bases into the intron after coding-DNA position 461, A replaced by G.
Molecular consequence: intron variant.
Genome position (GRCh38, 1-based): chr14:20,474,951, A>G. VCF-style: chr14-20474951-A-G. GRCh37 (hg19) VCF-style: chr14-20943110-A-G.
Identifiers: ClinVar variation 1024538 (VCV001024538.8), dbSNP rs746498585, ClinGen allele CA7082124.

ClinVar aggregate classification (germline): Uncertain significance (1 of 4 stars; one submission).

Conditions:
Purine-nucleoside phosphorylase deficiency. Also called: NUCLEOSIDE PHOSPHORYLASE DEFICIENCY; Immunodeficiency due to purine nucleoside phosphorylase deficiency. Identifiers: Orphanet 760, MedGen C0268125, MONDO:0013171, OMIM 613179.

Allele frequency attached by ClinVar (database versions not stated): gnomAD exomes below 0.00001; gnomAD 0.00001; ExAC 0.00002; TOPMed 0.00002.
gnomAD v4.1: 3 of 1,614,022 alleles (0.00019%); highest among the groups gnomAD compares: Non-Finnish European, 0.00025%; no homozygotes.

Submission:

Labcorp Genetics (formerly Invitae), Labcorp
Classification: Uncertain significance for Purine-nucleoside phosphorylase deficiency. Last evaluated: 2022-08-16. Review status: criteria provided, single submitter. Criteria: Invitae Variant Classification Sherloc (09022015). Collection method: clinical testing. Allele origin: germline.
Comment: This variant has not been reported in the literature in individuals affected with PNP-related conditions. In summary, the available evidence is currently insufficient to determine the role of this variant in disease. Therefore, it has been classified as a Variant of Uncertain Significance. Variants that disrupt the consensus splice site are a relatively common cause of aberrant splicing (PMID: 17576681, 9536098). Algorithms developed to predict the effect of sequence changes on RNA splicing suggest that this variant is not likely to affect RNA splicing. ClinVar contains an entry for this variant (Variation ID: 1024538). This variant is present in population databases (rs746498585, gnomAD 0.002%). This sequence change falls in intron 4 of the PNP gene. It does not directly change the encoded amino acid sequence of the PNP protein. It affects a nucleotide within the consensus splice site.

Literature cited by the submitters: PubMed 17576681; PubMed 9536098.